The following is an entry in ClinVar:

NM_001367624.2(ZNF469):c.2515A>C (p.Lys839Gln)

Gene: ZNF469 (zinc finger protein 469; plus strand). Cytogenetic location: 16q24.2.
Variant type: single nucleotide variant.
Coding change: c.2515A>C on transcript NM_001367624.2 (MANE Select); coding-DNA position 2515, A replaced by C.
Protein change: p.Lys839Gln; replaces lysine 839 with glutamine.
Molecular consequence: missense variant.
Genome position (GRCh38, 1-based): chr16:88,429,985, A>C. VCF-style: chr16-88429985-A-C. GRCh37 (hg19) VCF-style: chr16-88496393-A-C.
Other names: short protein forms K839Q.
Identifiers: ClinVar variation 1460585 (VCV001460585.6), dbSNP rs2142301841, ClinGen allele CA397072735.
Genomic context (GRCh38, chr16:88,429,985, plus strand): 5'-AGCCTGGCCGCCACCCCCTTCCCGCTCCCTGCCTCGGACCTGGACATGGAGGATGACGCC[A>C]AGCTGGACAGCCTCATCACAGAGGCGCTCAACGGCATGGAGTACCAGTCGGACAACCCGG-3'
Protein context (NP_001354553.1, residues 829-849): ASDLDMEDDA[Lys839Gln]LDSLITEALN

ClinVar aggregate classification (germline): Uncertain significance (1 of 4 stars; one submission).

Submission:

Labcorp Genetics (formerly Invitae), Labcorp
Classification: Uncertain significance. Last evaluated: 2021-09-21. Review status: criteria provided, single submitter. Criteria: Invitae Variant Classification Sherloc (09022015). Collection method: clinical testing. Allele origin: germline.
Comment: In summary, the available evidence is currently insufficient to determine the role of this variant in disease. Therefore, it has been classified as a Variant of Uncertain Significance. Algorithms developed to predict the effect of missense changes on protein structure and function are either unavailable or do not agree on the potential impact of this missense change (SIFT: "Deleterious"; PolyPhen-2: "Probably Damaging"; Align-GVGD: "Class C0"). This variant has not been reported in the literature in individuals affected with ZNF469-related conditions. This variant is not present in population databases (ExAC no frequency). This sequence change replaces lysine with glutamine at codon 839 of the ZNF469 protein (p.Lys839Gln). The lysine residue is moderately conserved and there is a small physicochemical difference between lysine and glutamine.